The following is an entry in ClinVar:

ClinVar aggregate classification (germline): Uncertain significance. Review status: criteria provided, multiple submitters, no conflicts (2 of 4 stars). 2 submissions from 2 submitters: Uncertain significance (2). Last evaluated 2025-05-17.

Conditions:
Inborn genetic diseases. Identifiers: MedGen C0950123, MeSH D030342.
Leber congenital amaurosis 3 (LCA3). Also called: SPATA7-Related Retinitis Pigmentosa. Identifiers: MedGen C1858677, MONDO:0011415, OMIM 604232.

Allele frequency attached by ClinVar (database versions not stated): TOPMed below 0.00001; ExAC 0.00001; gnomAD exomes 0.00001.
gnomAD v4.1: 6 of 1,614,030 alleles (0.00037%); highest among the groups gnomAD compares: Admixed American, 0.0017%; 1 homozygote.

Submissions (2):

Ambry Genetics
Classification: Uncertain significance for Inborn genetic diseases. Last evaluated: 2025-05-17. Review status: criteria provided, single submitter. Criteria: Ambry Variant Classification Scheme 2023. Collection method: clinical testing. Allele origin: germline.

Labcorp Genetics (formerly Invitae), Labcorp
Classification: Uncertain significance for Leber congenital amaurosis 3. Last evaluated: 2022-04-13. Review status: criteria provided, single submitter. Criteria: Invitae Variant Classification Sherloc (09022015). Collection method: clinical testing. Allele origin: germline.
Comment: This sequence change replaces leucine, which is neutral and non-polar, with valine, which is neutral and non-polar, at codon 556 of the SPATA7 protein (p.Leu556Val). This variant is present in population databases (rs749597333, gnomAD no frequency). This variant has not been reported in the literature in individuals affected with SPATA7-related conditions. Algorithms developed to predict the effect of missense changes on protein structure and function are either unavailable or do not agree on the potential impact of this missense change (SIFT: "Tolerated"; PolyPhen-2: "Possibly Damaging"; Align-GVGD: "Class C0"). In summary, the available evidence is currently insufficient to determine the role of this variant in disease. Therefore, it has been classified as a Variant of Uncertain Significance.

NM_018418.5(SPATA7):c.1666T>G (p.Leu556Val)

Gene: SPATA7 (spermatogenesis associated 7; plus strand). Cytogenetic location: 14q31.3.
Variant type: single nucleotide variant.
Coding change: c.1666T>G on transcript NM_018418.5 (MANE Select); coding-DNA position 1666, T replaced by G.
Protein change: p.Leu556Val; replaces leucine 556 with valine.
Molecular consequence: missense variant.
Genome position (GRCh38, 1-based): chr14:88,438,288, T>G. VCF-style: chr14-88438288-T-G. GRCh37 (hg19) VCF-style: chr14-88904632-T-G.
Other names: c.1570T>G, p.Leu524Val (NM_001040428.4); c.1666T>G (NM_018418.4); short protein forms L524V, L556V.
Identifiers: ClinVar variation 1908183 (VCV001908183.4), dbSNP rs749597333, ClinGen allele CA7298847.